The following is an entry in ClinVar:

NM_000465.4(BARD1):c.769G>C (p.Glu257Gln)

Gene: BARD1 (BRCA1 associated RING domain 1; minus strand). Cytogenetic location: 2q35.
Variant type: single nucleotide variant.
Coding change: c.769G>C on transcript NM_000465.4 (MANE Select); coding-DNA position 769, G replaced by C.
Protein change: p.Glu257Gln; replaces glutamic acid 257 with glutamine.
Molecular consequence: missense variant. On other transcripts: non-coding transcript variant (2), intron variant (3).
Genome position (GRCh38, 1-based): chr2:214,781,105, C>G on the plus strand (G>C on the coding strand, the complement: BARD1 is on the minus strand). VCF-style: chr2-214781105-C-G. GRCh37 (hg19) VCF-style: chr2-215645829-C-G.
Other names: c.712G>C, p.Glu238Gln (NM_001282543.2); c.158+28307G>C (NM_001282548.2); c.215+15956G>C (NM_001282545.2); c.364+11192G>C (NM_001282549.2); short protein forms E238Q, E257Q.
Identifiers: ClinVar variation 2699647 (VCV002699647.3), dbSNP rs587782673, ClinGen allele CA350455933.
Genomic context (GRCh38, chr2:214,781,105, plus strand): 5'-CAGTTAAACTTCCAAAACATTCAGATTCTGTCAAGGAGCCACTTGCTAGTAAGTCTATTT[C>G]ACCATTTATCTGAGGACTGGAGATAACAGATGGTTGGCTACAGAAGGATACCAGCTTTTG-3'
Protein context (NP_000456.2, residues 247-267): SVISSPQING[Glu257Gln]IDLLASGSLT

ClinVar aggregate classification (germline): Uncertain significance (1 of 4 stars; one submission).

Conditions:
Familial cancer of breast. Also called: hereditary breast carcinoma; Hereditary breast cancer; BREAST CANCER, FAMILIAL. Identifiers: Orphanet 227535, MedGen C0346153, MONDO:0016419, OMIM 114480. Disease mechanism: loss of function.

Submission:

Labcorp Genetics (formerly Invitae), Labcorp
Classification: Uncertain significance for Familial cancer of breast. Last evaluated: 2023-11-29. Review status: criteria provided, single submitter. Criteria: Invitae Variant Classification Sherloc (09022015). Collection method: clinical testing. Allele origin: germline.
Comment: This sequence change replaces glutamic acid, which is acidic and polar, with glutamine, which is neutral and polar, at codon 257 of the BARD1 protein (p.Glu257Gln). This variant is not present in population databases (gnomAD no frequency). This variant has not been reported in the literature in individuals affected with BARD1-related conditions. An algorithm developed to predict the effect of missense changes on protein structure and function (PolyPhen-2) suggests that this variant is likely to be tolerated. In summary, the available evidence is currently insufficient to determine the role of this variant in disease. Therefore, it has been classified as a Variant of Uncertain Significance.